The following is an entry in ClinVar:

ClinVar aggregate classification (germline): Pathogenic (1 of 4 stars; one submission).

Submission:

Labcorp Genetics (formerly Invitae), Labcorp
Classification: Pathogenic. Last evaluated: 2025-12-16. Review status: criteria provided, single submitter. Criteria: Invitae Variant Classification Sherloc (09022015). Collection method: clinical testing. Allele origin: germline.
Comment: This sequence change creates a premature translational stop signal (p.Glu292Lysfs*17) in the COL18A1 gene. It is expected to result in an absent or disrupted protein product. Loss-of-function variants in COL18A1 are known to be pathogenic (PMID: 12415512, 25456301). This variant is not present in population databases (gnomAD no frequency). This premature translational stop signal has been observed in individual(s) with macular dystrophy (PMID: 37510321). For these reasons, this variant has been classified as Pathogenic.

Literature cited by the submitters: PubMed 12415512; PubMed 25456301; PubMed 37510321.

NM_001379500.1(COL18A1):c.874del (p.Glu292fs)

Gene: COL18A1 (collagen type XVIII alpha 1 chain; plus strand). Cytogenetic location: 21q22.3.
Variant type: Deletion.
Coding change: c.874del on transcript NM_001379500.1 (MANE Select); coding-DNA position 874, one base deleted (G; older notation c.874delG).
Protein change: p.Glu292fs; shifts the reading frame from glutamic acid 292.
Molecular consequence: frameshift variant.
Genome position (GRCh38, 1-based): chr21:45,476,426, G deleted; the last of 2 consecutive G bases (chr21:45,476,425-45,476,426); deleting either gives the same sequence. VCF-style (leftmost placement, unchanged base first): chr21-45476424-CG-C. GRCh37 (hg19) VCF-style: chr21-46896338-CG-C.
Other names: c.1414del, p.Glu472fs (NM_030582.4); c.2119del, p.Glu707fs (NM_130444.3); short protein forms E292fs, E472fs, E707fs.
Identifiers: ClinVar variation 4710842 (VCV004710842.1).